The following is an entry in ClinVar:

ClinVar aggregate classification (germline): Uncertain significance. Review status: criteria provided, multiple submitters, no conflicts (2 of 4 stars). 2 submissions from 2 submitters: Uncertain significance (2). Last evaluated 2025-11-22.

Conditions:
Hereditary cancer-predisposing syndrome. Also called: Neoplastic Syndromes, Hereditary; Hereditary Cancer Syndrome; Tumor predisposition; Hereditary neoplastic syndrome. Identifiers: Orphanet 140162, MedGen C0027672, MeSH D009386, MONDO:0015356.

Submissions (2):

Ambry Genetics
Classification: Uncertain significance for Hereditary cancer-predisposing syndrome. Last evaluated: 2025-11-22. Review status: criteria provided, single submitter. Criteria: Ambry Variant Classification Scheme 2023. Collection method: clinical testing. Allele origin: germline.
Comment: The p.H311Q variant (also known as c.933C>G), located in coding exon 7 of the RAD50 gene, results from a C to G substitution at nucleotide position 933. The histidine at codon 311 is replaced by glutamine, an amino acid with highly similar properties. This amino acid position is conserved. In addition, this alteration is predicted to be tolerated by in silico analysis. Based on the available evidence, the clinical significance of this variant remains unclear.

Labcorp Genetics (formerly Invitae), Labcorp
Classification: Uncertain significance for Hereditary cancer-predisposing syndrome. Last evaluated: 2022-12-05. Review status: criteria provided, single submitter. Criteria: Invitae Variant Classification Sherloc (09022015). Collection method: clinical testing. Allele origin: germline.
Comment: In summary, the available evidence is currently insufficient to determine the role of this variant in disease. Therefore, it has been classified as a Variant of Uncertain Significance. Advanced modeling of protein sequence and biophysical properties (such as structural, functional, and spatial information, amino acid conservation, physicochemical variation, residue mobility, and thermodynamic stability) has been performed at Invitae for this missense variant, however the output from this modeling did not meet the statistical confidence thresholds required to predict the impact of this variant on RAD50 protein function. ClinVar contains an entry for this variant (Variation ID: 854106). This variant has not been reported in the literature in individuals affected with RAD50-related conditions. This variant is not present in population databases (gnomAD no frequency). This sequence change replaces histidine, which is basic and polar, with glutamine, which is neutral and polar, at codon 311 of the RAD50 protein (p.His311Gln).

NM_005732.4(RAD50):c.933C>G (p.His311Gln)

Gene: RAD50 (RAD50 double strand break repair protein; plus strand). Cytogenetic location: 5q31.1.
Variant type: single nucleotide variant.
Coding change: c.933C>G on transcript NM_005732.4 (MANE Select); coding-DNA position 933, C replaced by G.
Protein change: p.His311Gln; replaces histidine 311 with glutamine.
Molecular consequence: missense variant.
Genome position (GRCh38, 1-based): chr5:132,587,971, C>G. VCF-style: chr5-132587971-C-G. GRCh37 (hg19) VCF-style: chr5-131923663-C-G.
Other names: short protein forms H311Q.
Identifiers: ClinVar variation 854106 (VCV000854106.11), dbSNP rs1580992154, ClinGen allele CA360940979.